The following is an entry in ClinVar:

ClinVar aggregate classification (germline): Conflicting classifications of pathogenicity. Review status: criteria provided, conflicting classifications (1 of 4 stars). 7 submissions from 7 submitters: Uncertain significance (2); Likely benign (4). 1 of the submissions does not count toward it. Last evaluated 2026-02-01.

Conditions:
COL6A3-related disorder. Also called: COL6A3-related disorders; COL6A3-related condition.
Collagen 6-related myopathy. Identifiers: MedGen CN117976, MONDO:0100225.
Bethlem myopathy 1A. Also called: Bethlem myopathy 1; Bethlem Muscular Dystrophy; MYOPATHY, BENIGN CONGENITAL, WITH CONTRACTURES. Identifiers: Orphanet 610, MedGen CN029274, MONDO:0024530, OMIM 158810.

Allele frequency attached by ClinVar (database versions not stated): gnomAD exomes 0.00004 and 0.00010; gnomAD 0.00006 and 0.00007; ExAC 0.00007; TOPMed 0.00007.
gnomAD v4.1: 75 of 1,614,090 alleles (0.0046%); highest among the groups gnomAD compares: East Asian, 0.038%; no homozygotes.

Submissions (7):

CeGaT Center for Human Genetics Tuebingen
Classification: Likely benign. Last evaluated: 2026-02-01. Review status: criteria provided, single submitter. Criteria: CeGaT Center For Human Genetics Tuebingen Variant Classification Criteria Version 2. Collection method: clinical testing. Allele origin: germline. Affected: yes. Observed: 1 variant allele.
Comment: COL6A3: BP4, BP7

Labcorp Genetics (formerly Invitae), Labcorp
Classification: Likely benign for Bethlem myopathy 1A. Last evaluated: 2026-01-13. Review status: criteria provided, single submitter. Criteria: Invitae Variant Classification Sherloc (09022015). Collection method: clinical testing. Allele origin: germline.

Blueprint Genetics
Classification: Likely benign. Last evaluated: 2023-11-14. Review status: criteria provided, single submitter. Criteria: ACMG Guidelines, 2015. Collection method: clinical testing. Allele origin: germline.

Illumina Laboratory Services, Illumina
Classification: Uncertain significance for Collagen VI-related myopathy. Last evaluated: 2018-01-12. Review status: criteria provided, single submitter. Criteria: ICSL Variant Classification Criteria 13 December 2019. Collection method: clinical testing. Allele origin: germline.

GeneDx
Classification: Likely benign. Last evaluated: 2017-06-20. Review status: criteria provided, single submitter. Criteria: GeneDx Variant Classification (06012015). Collection method: clinical testing. Allele origin: germline. Affected: yes.
Comment: This variant is considered likely benign or benign based on one or more of the following criteria: it is a conservative change, it occurs at a poorly conserved position in the protein, it is predicted to be benign by multiple in silico algorithms, and/or has population frequency not consistent with disease.

Eurofins Ntd Llc (ga)
Classification: Uncertain significance. Last evaluated: 2016-06-20. Review status: criteria provided, single submitter. Criteria: EGL Classification Definitions 2015. Collection method: clinical testing. Allele origin: germline. Observed: 1 variant allele, 1 heterozygote.

PreventionGenetics, part of Exact Sciences
Classification: Likely benign for COL6A3-related condition. Last evaluated: 2022-01-10. Review status: no assertion criteria provided. Collection method: clinical testing. Allele origin: germline. Not counted in ClinVar's aggregate classification.
Comment: This variant is classified as likely benign based on ACMG/AMP sequence variant interpretation guidelines (Richards et al. 2015 PMID: 25741868, with internal and published modifications).

NM_004369.4(COL6A3):c.2754C>T (p.Tyr918=)

Gene: COL6A3 (collagen type VI alpha 3 chain; minus strand). Cytogenetic location: 2q37.3.
Variant type: single nucleotide variant.
Coding change: c.2754C>T on transcript NM_004369.4 (MANE Select); coding-DNA position 2754, C replaced by T.
Protein change: p.Tyr918=; no amino-acid change (tyrosine 918 retained).
Molecular consequence: synonymous variant.
Genome position (GRCh38, 1-based): chr2:237,377,088, G>A on the plus strand (C>T on the coding strand, the complement: COL6A3 is on the minus strand). VCF-style: chr2-237377088-G-A. GRCh37 (hg19) VCF-style: chr2-238285731-G-A.
Other names: c.1533C>T, p.Tyr511= (NM_057164.5); c.2136C>T, p.Tyr712= (NM_057165.5, NM_057167.4); c.933C>T, p.Tyr311= (NM_057166.5).
Identifiers: ClinVar variation 287904 (VCV000287904.24), dbSNP rs114492689, ClinGen allele CA2189330.